The following is an entry in ClinVar:

ClinVar aggregate classification (germline): Uncertain significance (1 of 4 stars; one submission).

Allele frequency attached by ClinVar (database versions not stated): TOPMed below 0.00001; ExAC 0.00001; gnomAD exomes 0.00001.

Submission:

Labcorp Genetics (formerly Invitae), Labcorp
Classification: Uncertain significance. Last evaluated: 2022-09-05. Review status: criteria provided, single submitter. Criteria: Invitae Variant Classification Sherloc (09022015). Collection method: clinical testing. Allele origin: germline.
Comment: This sequence change replaces methionine, which is neutral and non-polar, with arginine, which is basic and polar, at codon 689 of the SIRT1 protein (p.Met689Arg). In summary, the available evidence is currently insufficient to determine the role of this variant in disease. Therefore, it has been classified as a Variant of Uncertain Significance. Algorithms developed to predict the effect of missense changes on protein structure and function (SIFT, PolyPhen-2, Align-GVGD) all suggest that this variant is likely to be tolerated. This variant has not been reported in the literature in individuals affected with SIRT1-related conditions. This variant is present in population databases (rs750707792, gnomAD 0.002%).

NM_012238.5(SIRT1):c.2066T>G (p.Met689Arg)

Gene: SIRT1 (sirtuin 1; plus strand). Cytogenetic location: 10q21.3.
Variant type: single nucleotide variant.
Coding change: c.2066T>G on transcript NM_012238.5 (MANE Select); coding-DNA position 2066, T replaced by G.
Protein change: p.Met689Arg; replaces methionine 689 with arginine.
Molecular consequence: missense variant.
Genome position (GRCh38, 1-based): chr10:67,916,415, T>G. VCF-style: chr10-67916415-T-G. GRCh37 (hg19) VCF-style: chr10-69676172-T-G.
Other names: c.1181T>G, p.Met394Arg (NM_001142498.2); c.1157T>G, p.Met386Arg (NM_001314049.2); short protein forms M386R, M394R, M689R.
Identifiers: ClinVar variation 2155907 (VCV002155907.4), dbSNP rs750707792, ClinGen allele CA5521406.